The following is an entry in ClinVar:

NM_017636.4(TRPM4):c.24+5G>A

Gene: TRPM4 (transient receptor potential cation channel subfamily M member 4; plus strand). Cytogenetic location: 19q13.33.
Variant type: single nucleotide variant.
Coding change: c.24+5G>A on transcript NM_017636.4 (MANE Select); 5 bases into the intron after coding-DNA position 24, G replaced by A.
Molecular consequence: intron variant.
Genome position (GRCh38, 1-based): chr19:49,157,895, G>A. VCF-style: chr19-49157895-G-A. GRCh37 (hg19) VCF-style: chr19-49661152-G-A.
Other names: c.24+5G>A (NM_001195227.2, NM_001321281.2); c.-1349+5G>A (NM_001321282.2); c.-143+5G>A (NM_001321283.2); c.-306+5G>A (NM_001321285.2).
Identifiers: ClinVar variation 658526 (VCV000658526.8), dbSNP rs1600378352, ClinGen allele CA915951904.
Genomic context (GRCh38, chr19:49,157,895, plus strand): 5'-GGGCTGCAGGAGGTTGCGGCGGCCGCGGCAGCATGGTGGTGCCGGAGAAGGAGCAGGTGA[G>A]CGCCGGACCAGGGTCTGCGGGAGCGCGGAGCTGGGGACCTCGCCTCCAGGCTCCCAGAGA-3'

ClinVar aggregate classification (germline): Uncertain significance (1 of 4 stars; one submission).

Conditions:
Progressive familial heart block type IB (PFHB1B). Identifiers: Orphanet 871, MedGen C1970298, MONDO:0011474, OMIM 604559.

Submission:

Labcorp Genetics (formerly Invitae), Labcorp
Classification: Uncertain significance for Progressive familial heart block type IB. Last evaluated: 2022-03-19. Review status: criteria provided, single submitter. Criteria: Invitae Variant Classification Sherloc (09022015). Collection method: clinical testing. Allele origin: germline.
Comment: This sequence change falls in intron 1 of the TRPM4 gene. It does not directly change the encoded amino acid sequence of the TRPM4 protein. It affects a nucleotide within the consensus splice site. In summary, the available evidence is currently insufficient to determine the role of this variant in disease. Therefore, it has been classified as a Variant of Uncertain Significance. This variant is not present in population databases (gnomAD no frequency). This variant has not been reported in the literature in individuals affected with TRPM4-related conditions. ClinVar contains an entry for this variant (Variation ID: 658526). Variants that disrupt the consensus splice site are a relatively common cause of aberrant splicing (PMID: 17576681, 9536098). Algorithms developed to predict the effect of sequence changes on RNA splicing suggest that this variant may create or strengthen a splice site.

Literature cited by the submitters: PubMed 17576681; PubMed 9536098.